The following is an entry in ClinVar:

NM_001035.3(RYR2):c.10100A>G (p.Tyr3367Cys)

Gene: RYR2 (ryanodine receptor 2; plus strand). Cytogenetic location: 1q43.
Variant type: single nucleotide variant.
Coding change: c.10100A>G on transcript NM_001035.3 (MANE Select); coding-DNA position 10100, A replaced by G.
Protein change: p.Tyr3367Cys; replaces tyrosine 3367 with cysteine.
Molecular consequence: missense variant.
Genome position (GRCh38, 1-based): chr1:237,709,056, A>G. VCF-style: chr1-237709056-A-G. GRCh37 (hg19) VCF-style: chr1-237872356-A-G.
Other names: short protein forms Y3367C.
Identifiers: ClinVar variation 4809696 (VCV004809696.1).

ClinVar aggregate classification (germline): Uncertain significance (1 of 4 stars; one submission).

Conditions:
Catecholaminergic polymorphic ventricular tachycardia 1. Also called: VENTRICULAR TACHYCARDIA, STRESS-INDUCED POLYMORPHIC 1; VENTRICULAR TACHYCARDIA, CATECHOLAMINERGIC POLYMORPHIC, 1, WITH OR WITHOUT ATRIAL DYSFUNCTION AND/OR DILATED CARDIOMYOPATHY; RYR2-Related Catecholaminergic Polymorphic Ventricular Tachycardia. Identifiers: Orphanet 3286, MedGen C1631597, MONDO:0011484, OMIM 604772.

gnomAD v4.1: 2 of 1,608,066 alleles (0.00012%); highest among the groups gnomAD compares: Non-Finnish European, 0.00017%; no homozygotes.

Submission:

Labcorp Genetics (formerly Invitae), Labcorp
Classification: Uncertain significance for Catecholaminergic polymorphic ventricular tachycardia 1. Last evaluated: 2026-01-26. Review status: criteria provided, single submitter. Criteria: Invitae Variant Classification Sherloc (09022015). Collection method: clinical testing. Allele origin: germline.
Comment: This sequence change replaces tyrosine, which is neutral and polar, with cysteine, which is neutral and slightly polar, at codon 3367 of the RYR2 protein (p.Tyr3367Cys). This variant is not present in population databases (gnomAD no frequency). This variant has not been reported in the literature in individuals affected with RYR2-related conditions. Invitae Evidence Modeling of protein sequence and biophysical properties (such as structural, functional, and spatial information, amino acid conservation, physicochemical variation, residue mobility, and thermodynamic stability) indicates that this missense variant is expected to disrupt RYR2 protein function with a positive predictive value of 95%. In summary, the available evidence is currently insufficient to determine the role of this variant in disease. Therefore, it has been classified as a Variant of Uncertain Significance.